The following is an entry in ClinVar:

ClinVar aggregate classification (germline): Pathogenic (1 of 4 stars; one submission).

Submission:

GeneDx
Classification: Pathogenic. Last evaluated: 2026-10-11. Review status: criteria provided, single submitter. Criteria: GeneDx Variant Classification Process June 2021. Collection method: clinical testing. Allele origin: germline.
Comment: Canonical splice site variant predicted to result in a null allele in a gene for which loss of function is a known mechanism of disease; Not observed at significant frequency in large population cohorts (gnomAD); Has not been previously published as pathogenic or benign to our knowledge

NM_000094.4(COL7A1):c.5425-1G>C

Gene: COL7A1 (collagen type VII alpha 1 chain; minus strand). Cytogenetic location: 3p21.31.
Variant type: single nucleotide variant.
Coding change: c.5425-1G>C on transcript NM_000094.4 (MANE Select); the canonical splice acceptor site of the intron before coding-DNA position 5425, G replaced by C.
Molecular consequence: splice acceptor variant.
Genome position (GRCh38, 1-based): chr3:48,578,516, C>G on the plus strand (G>C on the coding strand, the complement: COL7A1 is on the minus strand). VCF-style: chr3-48578516-C-G. GRCh37 (hg19) VCF-style: chr3-48615949-C-G.
Identifiers: ClinVar variation 432365 (VCV000432365.4), dbSNP rs112850769, ClinGen allele CA73977668.